The following is an entry in ClinVar:

ClinVar aggregate classification (germline): Uncertain significance (1 of 4 stars; one submission).

Conditions:
Familial cancer of breast. Also called: hereditary breast carcinoma; BREAST CANCER, FAMILIAL; Hereditary breast cancer. Identifiers: Orphanet 227535, MedGen C0346153, MONDO:0016419, OMIM 114480. Disease mechanism: loss of function.

Submission:

Labcorp Genetics (formerly Invitae), Labcorp
Classification: Uncertain significance for Familial cancer of breast. Last evaluated: 2024-06-13. Review status: criteria provided, single submitter. Criteria: Invitae Variant Classification Sherloc (09022015). Collection method: clinical testing. Allele origin: germline.
Comment: This sequence change replaces lysine, which is basic and polar, with asparagine, which is neutral and polar, at codon 899 of the PALB2 protein (p.Lys899Asn). This variant is not present in population databases (gnomAD no frequency). This variant has not been reported in the literature in individuals affected with PALB2-related conditions. Advanced modeling of protein sequence and biophysical properties (such as structural, functional, and spatial information, amino acid conservation, physicochemical variation, residue mobility, and thermodynamic stability) performed at Invitae indicates that this missense variant is expected to disrupt PALB2 protein function with a positive predictive value of 80%. In summary, the available evidence is currently insufficient to determine the role of this variant in disease. Therefore, it has been classified as a Variant of Uncertain Significance.

NM_024675.4(PALB2):c.2697A>T (p.Lys899Asn)

Gene: PALB2 (partner and localizer of BRCA2; minus strand). Cytogenetic location: 16p12.2.
Variant type: single nucleotide variant.
Coding change: c.2697A>T on transcript NM_024675.4 (MANE Select); coding-DNA position 2697, A replaced by T.
Protein change: p.Lys899Asn; replaces lysine 899 with asparagine.
Molecular consequence: missense variant. On other transcripts: intron variant (3).
Genome position (GRCh38, 1-based): chr16:23,626,287, T>A on the plus strand (A>T on the coding strand, the complement: PALB2 is on the minus strand). VCF-style: chr16-23626287-T-A. GRCh37 (hg19) VCF-style: chr16-23637608-T-A.
Other names: c.2637A>T, p.Lys879Asn (NM_001407296.1); c.2625A>T, p.Lys875Asn (NM_001407297.1); c.2697A>T, p.Lys899Asn (NM_001407299.1, NM_001407300.1, NM_001407301.1); c.1812A>T, p.Lys604Asn (NM_001407304.1, NM_001407305.1, NM_001407306.1 and 4 more transcripts); c.909A>T, p.Lys303Asn (NM_001407312.1, NM_001407313.1); c.231A>T, p.Lys77Asn (NM_001407314.1); c.2587-2193A>T (NM_001407302.1, NM_001407298.1); c.1702-2193A>T (NM_001407307.1); short protein forms K899N, K303N, K875N, K879N, K604N, K77N.
Identifiers: ClinVar variation 3656545 (VCV003656545.2).